The following is an entry in ClinVar:

ClinVar aggregate classification (germline): Uncertain significance (1 of 4 stars; one submission).

Allele frequency attached by ClinVar (database versions not stated): TOPMed 0.00005; gnomAD 0.00006.
gnomAD v4.1: 12 of 1,302,894 alleles (0.00092%); highest among the groups gnomAD compares: Admixed American, 0.032%; no homozygotes.

Submission:

Labcorp Genetics (formerly Invitae), Labcorp
Classification: Uncertain significance. Last evaluated: 2023-10-09. Review status: criteria provided, single submitter. Criteria: Invitae Variant Classification Sherloc (09022015). Collection method: clinical testing. Allele origin: germline.
Comment: This sequence change replaces aspartic acid, which is acidic and polar, with glutamic acid, which is acidic and polar, at codon 166 of the TMPRSS15 protein (p.Asp166Glu). This variant is not present in population databases (gnomAD no frequency). This variant has not been reported in the literature in individuals affected with TMPRSS15-related conditions. Algorithms developed to predict the effect of missense changes on protein structure and function output the following: SIFT: "Not Available"; PolyPhen-2: "Benign"; Align-GVGD: "Not Available". The glutamic acid amino acid residue is found in multiple mammalian species, which suggests that this missense change does not adversely affect protein function. In summary, the available evidence is currently insufficient to determine the role of this variant in disease. Therefore, it has been classified as a Variant of Uncertain Significance.

NM_002772.3(TMPRSS15):c.498C>G (p.Asp166Glu)

Gene: TMPRSS15 (transmembrane serine protease 15; minus strand). Cytogenetic location: 21q21.1.
Variant type: single nucleotide variant.
Coding change: c.498C>G on transcript NM_002772.3 (MANE Select); coding-DNA position 498, C replaced by G.
Protein change: p.Asp166Glu; replaces aspartic acid 166 with glutamic acid.
Molecular consequence: missense variant.
Genome position (GRCh38, 1-based): chr21:18,379,317, G>C on the plus strand (C>G on the coding strand, the complement: TMPRSS15 is on the minus strand). VCF-style: chr21-18379317-G-C. GRCh37 (hg19) VCF-style: chr21-19751634-G-C.
Other names: short protein forms D166E.
Identifiers: ClinVar variation 2889157 (VCV002889157.2), dbSNP rs1337821980, ClinGen allele CA409852773.
Genomic context (GRCh38, chr21:18,379,317, plus strand): 5'-ATAATAATAATATTATTAAAACTGACCTGGAGTTGCCAGATGACTGGTGGTTGTTAGCTT[G>C]TCTGAAAAATAAATTATATTAAAATAATTATTACCTATTTTAAACTAATTACCAGGAATT-3'
Protein context (NP_002763.3, residues 156-176): HIDLNSVDIL[Asp166Glu]KLTTTSHLAT